The following is an entry in ClinVar:

NM_000383.4(AIRE):c.269A>G (p.Tyr90Cys)

Gene: AIRE (autoimmune regulator; plus strand). Cytogenetic location: 21q22.3.
Variant type: single nucleotide variant.
Coding change: c.269A>G on transcript NM_000383.4 (MANE Select); coding-DNA position 269, A replaced by G.
Protein change: p.Tyr90Cys; replaces tyrosine 90 with cysteine.
Molecular consequence: missense variant.
Genome position (GRCh38, 1-based): chr21:44,286,693, A>G. VCF-style: chr21-44286693-A-G. GRCh37 (hg19) VCF-style: chr21-45706576-A-G.
Other names: c.269A>G (LRG_18t1); short protein forms Y90C.
Identifiers: ClinVar variation 68223 (VCV000068223.4), dbSNP rs179363883, ClinGen allele CA219201.
Genomic context (GRCh38, chr21:44,286,693, plus strand): 5'-ACTCCACAGCCATCCTGGACTTCTGGAGGGTGCTGTTCAAGGACTACAACCTGGAGCGCT[A>G]TGGCCGGCTGCAGCCCATCCTGGACAGCTTCCCCAAAGGTGGGTCCTGGTGGACTCAGCC-3'
Protein context (NP_000374.1, residues 80-100): VLFKDYNLER[Tyr90Cys]GRLQPILDSF

ClinVar aggregate classification (germline): Pathogenic. Review status: criteria provided, single submitter (1 of 4 stars). 2 submissions from 2 submitters: Pathogenic (1). 1 of the submissions does not count toward it. Last evaluated 2023-06-27.

Conditions:
Polyglandular autoimmune syndrome, type 1 (APS1). Also called: Autoimmune polyendocrinopathy syndrome , type I, with or without reversible metaphyseal dysplasia; HYPOADRENOCORTICISM WITH HYPOPARATHYROIDISM AND SUPERFICIAL MONILIASIS; AUTOIMMUNE POLYENDOCRINE SYNDROME, TYPE I, WITH OR WITHOUT REVERSIBLE METAPHYSEAL DYSPLASIA; APS I; Whitaker syndrome; PGA I. Identifiers: Orphanet 3453, MedGen C0085859, MONDO:0009411, OMIM 240300.

Allele frequency attached by ClinVar (database versions not stated): gnomAD exomes 0.00001.
gnomAD v4.1: 6 of 1,613,012 alleles (0.00037%); highest among the groups gnomAD compares: Non-Finnish European, 0.000085%; 1 homozygote.

Submissions (2):

Labcorp Genetics (formerly Invitae), Labcorp
Classification: Pathogenic for Polyglandular autoimmune syndrome, type 1. Last evaluated: 2023-06-27. Review status: criteria provided, single submitter. Criteria: Invitae Variant Classification Sherloc (09022015). Collection method: clinical testing. Allele origin: germline.
Comment: This sequence change replaces tyrosine, which is neutral and polar, with cysteine, which is neutral and slightly polar, at codon 90 of the AIRE protein (p.Tyr90Cys). This variant is present in population databases (rs179363883, gnomAD 0.009%), including at least one homozygous and/or hemizygous individual. This missense change has been observed in individual(s) with autoimmune polyendocrine syndrome type 1 (PMID: 9837820, 34217342). In at least one individual the data is consistent with being in trans (on the opposite chromosome) from a pathogenic variant. ClinVar contains an entry for this variant (Variation ID: 68223). Advanced modeling of protein sequence and biophysical properties (such as structural, functional, and spatial information, amino acid conservation, physicochemical variation, residue mobility, and thermodynamic stability) performed at Invitae indicates that this missense variant is expected to disrupt AIRE protein function. For these reasons, this variant has been classified as Pathogenic.

UniProtKB/Swiss-Prot
No classification provided. Review status: no classification provided. Collection method: not provided. Allele origin: not provided. Not counted in ClinVar's aggregate classification.

Literature cited by the submitters: PubMed 9837820 (cited by Labcorp Genetics (formerly Invitae), Labcorp); PubMed 34217342 (cited by Labcorp Genetics (formerly Invitae), Labcorp).